The following is an entry in ClinVar:

NM_001130438.3(SPTAN1):c.2797G>A (p.Glu933Lys)

Gene: SPTAN1 (spectrin alpha, non-erythrocytic 1; plus strand). Cytogenetic location: 9q34.11.
Variant type: single nucleotide variant.
Coding change: c.2797G>A on transcript NM_001130438.3 (MANE Select); coding-DNA position 2797, G replaced by A.
Protein change: p.Glu933Lys; replaces glutamic acid 933 with lysine.
Molecular consequence: missense variant.
Genome position (GRCh38, 1-based): chr9:128,587,624, G>A. VCF-style: chr9-128587624-G-A. GRCh37 (hg19) VCF-style: chr9-131349903-G-A.
Other names: c.2797G>A, p.Glu933Lys (NM_001195532.2, NM_001363759.2, NM_001363765.2 and 5 more transcripts); c.2833G>A, p.Glu945Lys (NM_001375312.2, NM_001375318.1); short protein forms E933K, E945K.
Identifiers: ClinVar variation 2420359 (VCV002420359.6), dbSNP rs2541287530, ClinGen allele CA375058846.
Genomic context (GRCh38, chr9:128,587,624, plus strand): 5'-TTCAGCCCCTGCACAGTGCTCCATGTGTGGTTTTGGTTTCAGGCTCTACTGAAGAAACAC[G>A]AAGCTTTGATGTCAGATCTCAGTGCCTACGGCAGCAGCATCCAGGCTTTGCGAGAACAAG-3'
Protein context (NP_001123910.1, residues 923-943): DSAEALLKKH[Glu933Lys]ALMSDLSAYG

ClinVar aggregate classification (germline): Uncertain significance (1 of 4 stars; one submission).

Conditions:
Early-infantile DEE. Also called: Early infantile epileptic encephalopathy; Early infantile epileptic encephalopathy with suppression bursts; Ohtahara syndrome. Identifiers: Orphanet 1934, MedGen C0393706, MONDO:0800491.

Submission:

Labcorp Genetics (formerly Invitae), Labcorp
Classification: Uncertain significance for Early-infantile DEE. Last evaluated: 2022-06-11. Review status: criteria provided, single submitter. Criteria: Invitae Variant Classification Sherloc (09022015). Collection method: clinical testing. Allele origin: germline.
Comment: This variant has not been reported in the literature in individuals affected with SPTAN1-related conditions. In summary, the available evidence is currently insufficient to determine the role of this variant in disease. Therefore, it has been classified as a Variant of Uncertain Significance. Algorithms developed to predict the effect of missense changes on protein structure and function are either unavailable or do not agree on the potential impact of this missense change (SIFT: "Tolerated"; PolyPhen-2: "Possibly Damaging"; Align-GVGD: "Class C0"). This variant is not present in population databases (gnomAD no frequency). This sequence change replaces glutamic acid, which is acidic and polar, with lysine, which is basic and polar, at codon 933 of the SPTAN1 protein (p.Glu933Lys).